The following is an entry in ClinVar:

ClinVar aggregate classification (germline): Uncertain significance (1 of 4 stars; one submission).

Submission:

GeneDx
Classification: Uncertain significance. Last evaluated: 2023-02-24. Review status: criteria provided, single submitter. Criteria: GeneDx Variant Classification Process June 2021. Collection method: clinical testing. Allele origin: germline. Affected: yes.
Comment: Not observed at significant frequency in large population cohorts (gnomAD); Frameshift variant predicted to result in protein truncation or nonsense mediated decay in a gene or region of a gene for which loss of function is not a well-established mechanism of disease; Has not been previously published as pathogenic or benign to our knowledge

NM_004184.4(WARS1):c.561_564delinsAAA (p.Phe187fs)

Gene: WARS1 (tryptophanyl-tRNA synthetase 1; minus strand). Cytogenetic location: 14q32.2.
Variant type: Indel.
Coding change: c.561_564delinsAAA on transcript NM_004184.4 (MANE Select); coding-DNA positions 561 to 564, TAAC replaced by AAA.
Protein change: p.Phe187fs; shifts the reading frame from phenylalanine 187.
Molecular consequence: frameshift variant.
Genome position (GRCh38, 1-based): chr14:100,353,848-100,353,851, GTTA replaced by TTT on the plus strand (TAAC replaced by AAA on the coding strand, the reverse complement: WARS1 is on the minus strand). VCF-style: chr14-100353848-GTTA-TTT. GRCh37 (hg19) VCF-style: chr14-100820185-GTTA-TTT.
Other names: c.561_564delinsAAA, p.Phe187fs (NM_173701.2); c.438_441delinsAAA, p.Phe146fs (NM_213645.2, NM_213646.2); short protein forms F146fs, F187fs.
Identifiers: ClinVar variation 2577718 (VCV002577718.1), dbSNP rs2549265379, ClinGen allele CA2580617484.
Genomic context (GRCh38, chr14:100,353,848, plus strand): 5'-CAGGGTCAGGTCCTTCCACAGATACTTCTCGTCATCCGTCATCTGGATGACCAAGGGCAC[GTTA>TTT]AATACATCCTGGAGCCACCTAAAGAAACACAGGGGGAGAAAGCTGACGTCTCATCTCCCC-3'